The following is an entry in ClinVar:

ClinVar aggregate classification (germline): Uncertain significance (1 of 4 stars; one submission).

Allele frequency attached by ClinVar (database versions not stated): TOPMed 0.00001; gnomAD exomes below 0.00001.
gnomAD v4.1: 2 of 1,612,244 alleles (0.00012%); highest among the groups gnomAD compares: Admixed American, 0.0033%; no homozygotes.

Submission:

Labcorp Genetics (formerly Invitae), Labcorp
Classification: Uncertain significance. Last evaluated: 2026-01-27. Review status: criteria provided, single submitter. Criteria: Invitae Variant Classification Sherloc (09022015). Collection method: clinical testing. Allele origin: germline.
Comment: This sequence change replaces threonine, which is neutral and polar, with alanine, which is neutral and non-polar, at codon 508 of the RAI1 protein (p.Thr508Ala). The frequency data for this variant in the population databases is considered unreliable, as metrics indicate poor data quality at this position in the gnomAD database. This variant has not been reported in the literature in individuals affected with RAI1-related conditions. ClinVar contains an entry for this variant (Variation ID: 2738327). An algorithm developed to predict the effect of missense changes on protein structure and function (PolyPhen-2) suggests that this variant is likely to be tolerated. In summary, the available evidence is currently insufficient to determine the role of this variant in disease. Therefore, it has been classified as a Variant of Uncertain Significance.

NM_030665.4(RAI1):c.1522A>G (p.Thr508Ala)

Gene: RAI1 (retinoic acid induced 1; plus strand). Cytogenetic location: 17p11.2.
Variant type: single nucleotide variant.
Coding change: c.1522A>G on transcript NM_030665.4 (MANE Select); coding-DNA position 1522, A replaced by G.
Protein change: p.Thr508Ala; replaces threonine 508 with alanine.
Molecular consequence: missense variant.
Genome position (GRCh38, 1-based): chr17:17,794,470, A>G. VCF-style: chr17-17794470-A-G. GRCh37 (hg19) VCF-style: chr17-17697784-A-G.
Other names: short protein forms T508A.
Identifiers: ClinVar variation 2738327 (VCV002738327.3), dbSNP rs1182366272, ClinGen allele CA398548481.